The following is an entry in ClinVar:

NM_015681.6(B9D1):c.151T>C (p.Ser51Pro)

Gene: B9D1 (B9 domain containing 1; minus strand). Cytogenetic location: 17p11.2.
Variant type: single nucleotide variant.
Coding change: c.151T>C on transcript NM_015681.6 (MANE Select); coding-DNA position 151, T replaced by C.
Protein change: p.Ser51Pro; replaces serine 51 with proline.
Molecular consequence: missense variant. On other transcripts: 5 prime UTR variant (1).
Genome position (GRCh38, 1-based): chr17:19,357,933, A>G on the plus strand (T>C on the coding strand, the complement: B9D1 is on the minus strand). VCF-style: chr17-19357933-A-G. GRCh37 (hg19) VCF-style: chr17-19261246-A-G.
Other names: c.151T>C, p.Ser51Pro (NM_001321214.2, NM_001321215.3, NM_001321216.2 and 4 more transcripts); c.-210T>C (NM_001368769.2); short protein forms S51P.
Identifiers: ClinVar variation 663790 (VCV000663790.39), dbSNP rs546359789, ClinGen allele CA8440336.

ClinVar aggregate classification (germline): Conflicting classifications of pathogenicity. Review status: criteria provided, conflicting classifications (1 of 4 stars). 7 submissions from 7 submitters: Pathogenic (1); Likely pathogenic (2); Uncertain significance (4). Last evaluated 2026-06-25.

Conditions:
Joubert syndrome. Also called: Familial aplasia of the vermis; JOUBERT-BOLTSHAUSER SYNDROME. Identifiers: Orphanet 475, MedGen C5979921, MONDO:0018772.
Meckel-Gruber syndrome. Also called: Dysencephalia splachnocystica; DYSENCEPHALIA SPLANCHNOCYSTICA; GRUBER SYNDROME. Identifiers: Orphanet 564, MedGen C0265215, MONDO:0018921.
B9D1-related disorder. Also called: B9D1-related condition; B9D1-related disorders.
Joubert syndrome 27 (JBTS27). Identifiers: MedGen C4310706, MONDO:0014927, OMIM 617120.
Joubert syndrome and related disorders. Identifiers: Orphanet 140874, MedGen C5679612, MONDO:0015369.

Allele frequency attached by ClinVar (database versions not stated): gnomAD exomes 0.00005 and 0.00009; ExAC 0.00006; TOPMed 0.00008; gnomAD 0.00011.
gnomAD v4.1: 149 of 1,613,900 alleles (0.0092%); highest among the groups gnomAD compares: Non-Finnish European, 0.012%; no homozygotes.

Submissions (7):

PreventionGenetics, part of Exact Sciences
Classification: Uncertain significance for B9D1-related condition. Last evaluated: 2026-06-25. Review status: criteria provided, single submitter. Criteria: ACMG Guidelines, 2015. Collection method: clinical testing. Allele origin: germline.
Comment: The B9D1 c.151T>C variant is predicted to result in the amino acid substitution p.Ser51Pro. This variant has been reported in the homozygous and compound heterozygous states in multiple individuals with Joubert syndrome or Meckel–Gruber syndrome (Srour et al. 2015. PubMed ID: 26477546; Campobasso et al. 2025. PubMed ID: 40565534). This variant has also been reported in an individual with Joubert syndrome who also harbors a CC2D2A variant (Kroes et al. 2015. PubMed ID: 25920555). This variant has been reported in an individual undergoing sequencing for pituitary stalk interruption syndrome; the patient was also reported to have a nonsense variant in the PROK2 gene (Zwaveling-Soonawala et al. 2018. PubMed ID: 29165578). This variant is reported in 0.010% of alleles in individuals of European (non-Finnish) descent in gnomAD. Although we suspect that this variant may be pathogenic, at this time, the clinical significance of this variant is uncertain due to the absence of conclusive functional and genetic evidence.

Labcorp Genetics (formerly Invitae), Labcorp
Classification: Pathogenic for Joubert syndrome; Meckel-Gruber syndrome. Last evaluated: 2025-12-24. Review status: criteria provided, single submitter. Criteria: Invitae Variant Classification Sherloc (09022015). Collection method: clinical testing. Allele origin: germline.
Comment: This sequence change replaces serine, which is neutral and polar, with proline, which is neutral and non-polar, at codon 51 of the B9D1 protein (p.Ser51Pro). This variant is present in population databases (rs546359789, gnomAD 0.01%). This missense change has been observed in individual(s) with Joubert syndrome (PMID: 25920555, 26477546; internal data). In at least one individual the data is consistent with being in trans (on the opposite chromosome) from a pathogenic variant. ClinVar contains an entry for this variant (Variation ID: 663790). An algorithm developed to predict the effect of missense changes on protein structure and function (PolyPhen-2) suggests that this variant is likely to be disruptive. For these reasons, this variant has been classified as Pathogenic.

Women's Health and Genetics/Laboratory Corporation of America, LabCorp
Classification: Likely pathogenic for Joubert syndrome and related disorders. Last evaluated: 2025-04-18. Review status: criteria provided, single submitter. Criteria: LabCorp Variant Classification Summary - May 2015. Collection method: clinical testing. Allele origin: germline.
Comment: Variant summary: B9D1 c.151T>C (p.Ser51Pro) results in a non-conservative amino acid change in the encoded protein sequence. Five of five in-silico tools predict a damaging effect of the variant on protein function. The variant allele was found at a frequency of 4.8e-05 in 251378 control chromosomes. This frequency is not significantly higher than estimated for a pathogenic variant in B9D1 causing Joubert Syndrome And Related Disorders (4.8e-05 vs 0.0004), allowing no conclusion about variant significance. c.151T>C has been observed in compound heterozygous individual(s) affected with clinical features of Joubert Syndrome (Srour_2015, Kroes_2016, Labcorp (formerly Invitae)). These data indicate that the variant is likely to be associated with disease. To our knowledge, no experimental evidence demonstrating an impact on protein function has been reported. The following publications have been ascertained in the context of this evaluation (PMID: 25920555, 26477546, 29165578). ClinVar contains an entry for this variant (Variation ID: 663790). Based on the evidence outlined above, the variant was classified as likely pathogenic.

Blueprint Genetics
Classification: Uncertain significance. Last evaluated: 2024-08-26. Review status: criteria provided, single submitter. Criteria: ACMG Guidelines, 2015. Collection method: clinical testing. Allele origin: germline.

CeGaT Center for Human Genetics Tuebingen
Classification: Uncertain significance. Last evaluated: 2022-09-01. Review status: criteria provided, single submitter. Criteria: CeGaT Center For Human Genetics Tuebingen Variant Classification Criteria Version 2. Collection method: clinical testing. Allele origin: germline. Affected: yes. Observed: 1 variant allele.
Comment: B9D1: PM2, PM3

GeneDx
Classification: Uncertain significance. Last evaluated: 2021-03-19. Review status: criteria provided, single submitter. Criteria: GeneDx Variant Classification Process June 2021. Collection method: clinical testing. Allele origin: germline. Affected: yes.
Comment: Not observed at a significant frequency in large population cohorts (Lek et al., 2016); In silico analysis supports that this missense variant has a deleterious effect on protein structure/function; Identified independently and in conjunction with additional variants in individuals with features of Joubert syndrome in published literature (Srour et al., 2015; Kroes et al., 2015; Zwaveling-Soonawala et al., 2018); This variant is associated with the following publications: (PMID: 25920555, 26477546, 29165578)

Rady Children's Institute for Genomic Medicine, Rady Children's Hospital San Diego
Classification: Likely pathogenic for JOUBERT SYNDROME 27. Last evaluated: 2020-01-27. Review status: criteria provided, single submitter. Criteria: ACMG Guidelines, 2015. Collection method: clinical testing. Allele origin: germline. Affected: yes.
Comment: This variant has been previously reported as a compound heterozygous change in patients with Joubert Syndrome (PMID: 26477546, 25920555). It is present in the heterozygous state in the gnomAD population database at a frequency of 0.005% (14/282748) and thus is presumed to be rare. The c.151T>C (p.Ser51Pro) variant affects a highly conserved amino acid and is predicted by multiple in silico tools to have a deleterious effect on protein function. Based on the available evidence, the c.151T>C (p.Ser51Pro) variant is classified as Likely Pathogenic.

Literature cited by the submitters: PubMed 25920555 (cited by Labcorp Genetics (formerly Invitae), Labcorp and Women's Health and Genetics/Laboratory Corporation of America, LabCorp); PubMed 26477546 (cited by Labcorp Genetics (formerly Invitae), Labcorp and Women's Health and Genetics/Laboratory Corporation of America, LabCorp); PubMed 29165578 (cited by Women's Health and Genetics/Laboratory Corporation of America, LabCorp).